The following is an entry in ClinVar:

NM_002519.3(NPAT):c.3880C>T (p.Arg1294Cys)

Gene: NPAT (nuclear protein, coactivator of histone transcription; minus strand). Cytogenetic location: 11q22.3.
Variant type: single nucleotide variant.
Coding change: c.3880C>T on transcript NM_002519.3 (MANE Select); coding-DNA position 3880, C replaced by T.
Protein change: p.Arg1294Cys; replaces arginine 1294 with cysteine.
Molecular consequence: missense variant.
Genome position (GRCh38, 1-based): chr11:108,161,206, G>A on the plus strand (C>T on the coding strand, the complement: NPAT is on the minus strand). VCF-style: chr11-108161206-G-A. GRCh37 (hg19) VCF-style: chr11-108031933-G-A.
Other names: c.3901C>T, p.Arg1301Cys (NM_001321307.1); short protein forms R1301C, R1294C.
Identifiers: ClinVar variation 2166599 (VCV002166599.4), dbSNP rs1565304932, ClinGen allele CA382509846.

ClinVar aggregate classification (germline): Uncertain significance (1 of 4 stars; one submission).

Allele frequency attached by ClinVar (database versions not stated): gnomAD exomes below 0.00001; TOPMed below 0.00001.
gnomAD v4.1: 3 of 1,614,112 alleles (0.00019%); highest among the groups gnomAD compares: Non-Finnish European, 0.00025%; no homozygotes.

Submission:

Labcorp Genetics (formerly Invitae), Labcorp
Classification: Uncertain significance. Last evaluated: 2025-09-10. Review status: criteria provided, single submitter. Criteria: Invitae Variant Classification Sherloc (09022015). Collection method: clinical testing. Allele origin: germline.
Comment: This sequence change replaces arginine, which is basic and polar, with cysteine, which is neutral and slightly polar, at codon 1294 of the NPAT protein (p.Arg1294Cys). This variant is not present in population databases (gnomAD no frequency). This variant has not been reported in the literature in individuals affected with NPAT-related conditions. ClinVar contains an entry for this variant (Variation ID: 2166599). An algorithm developed to predict the effect of missense changes on protein structure and function (PolyPhen-2) suggests that this variant is likely to be disruptive. In summary, the available evidence is currently insufficient to determine the role of this variant in disease. Therefore, it has been classified as a Variant of Uncertain Significance.